The following is an entry in ClinVar:

NM_001204.7(BMPR2):c.3099A>G (p.Ile1033Met)

Gene: BMPR2 (bone morphogenetic protein receptor type 2; plus strand). Cytogenetic location: 2q33.2.
Variant type: single nucleotide variant.
Coding change: c.3099A>G on transcript NM_001204.7 (MANE Select); coding-DNA position 3099, A replaced by G.
Protein change: p.Ile1033Met; replaces isoleucine 1033 with methionine.
Molecular consequence: missense variant.
Genome position (GRCh38, 1-based): chr2:202,559,928, A>G. VCF-style: chr2-202559928-A-G. GRCh37 (hg19) VCF-style: chr2-203424651-A-G.
Other names: short protein forms I1033M.
Identifiers: ClinVar variation 4827180 (VCV004827180.1).

ClinVar aggregate classification (germline): Uncertain significance (1 of 4 stars; one submission).

Conditions:
Inborn genetic diseases. Identifiers: MedGen C0950123, MeSH D030342.

Submission:

Ambry Genetics
Classification: Uncertain significance for Inborn genetic diseases. Last evaluated: 2026-02-23. Review status: criteria provided, single submitter. Criteria: Ambry Variant Classification Scheme 2023. Collection method: clinical testing. Allele origin: germline.
Comment: The p.I1033M variant (also known as c.3099A>G), located in coding exon 13 of the BMPR2 gene, results from an A to G substitution at nucleotide position 3099. The isoleucine at codon 1033 is replaced by methionine, an amino acid with highly similar properties. This amino acid position is conserved. In addition, this alteration is predicted to be tolerated by in silico analysis. Based on the available evidence, the clinical significance of this variant remains unclear.